The following is an entry in ClinVar:

NM_001369.3(DNAH5):c.9990dup (p.Gln3331fs)

Gene: DNAH5 (dynein axonemal heavy chain 5; minus strand). Cytogenetic location: 5p15.2.
Variant type: Duplication.
Coding change: c.9990dup on transcript NM_001369.3 (MANE Select); coding-DNA position 9990, one base duplicated (T; older notation c.9990dupT).
Protein change: p.Gln3331fs; shifts the reading frame from glutamine 3331.
Molecular consequence: frameshift variant.
Genome position (GRCh38, 1-based): chr5:13,766,087, A duplicated on the plus strand (T on the coding strand, the reverse complement: DNAH5 is on the minus strand); the first of 3 consecutive A bases (chr5:13,766,087-13,766,089); duplicating any one gives the same sequence. VCF-style (leftmost placement, unchanged base first): chr5-13766086-G-GA. GRCh37 (hg19) VCF-style: chr5-13766195-G-GA.
Other names: short protein forms Q3331fs.
Identifiers: ClinVar variation 1768829 (VCV001768829.5), dbSNP rs2126762332, ClinGen allele CA2580072191.

ClinVar aggregate classification (germline): Pathogenic. Review status: criteria provided, multiple submitters, no conflicts (2 of 4 stars). 2 submissions from 2 submitters: Pathogenic (2). Last evaluated 2024-01-08.

Conditions:
Primary ciliary dyskinesia. Also called: Ciliary dyskinesia. Identifiers: Orphanet 244, MedGen C0008780, MONDO:0016575, HP:0012265.

Submissions (2):

Labcorp Genetics (formerly Invitae), Labcorp
Classification: Pathogenic for Primary ciliary dyskinesia. Last evaluated: 2024-01-08. Review status: criteria provided, single submitter. Criteria: Invitae Variant Classification Sherloc (09022015). Collection method: clinical testing. Allele origin: germline.
Comment: This sequence change creates a premature translational stop signal (p.Gln3331Serfs*10) in the DNAH5 gene. It is expected to result in an absent or disrupted protein product. Loss-of-function variants in DNAH5 are known to be pathogenic (PMID: 11788826, 16627867). This variant is not present in population databases (gnomAD no frequency). This variant has not been reported in the literature in individuals affected with DNAH5-related conditions. ClinVar contains an entry for this variant (Variation ID: 1768829). For these reasons, this variant has been classified as Pathogenic.

Ambry Genetics
Classification: Pathogenic for Primary ciliary dyskinesia. Last evaluated: 2016-03-07. Review status: criteria provided, single submitter. Criteria: Ambry Variant Classification Scheme 2023. Collection method: clinical testing. Allele origin: germline.
Comment: The c.9990dupT variant, located in coding exon 59 of the DNAH5 gene, results from a duplication of T at nucleotide position 9990, causing a translational frameshift with a predicted alternate stop codon (p.Q3331Sfs*10). Since frameshifts are typically deleterious in nature, this alteration is interpreted as a disease-causing mutation (ACMG Recommendations for Standards for Interpretation and Reporting of Sequence Variations. Revision 2007. Genet Med. 2008;10:294).

Literature cited by the submitters: PubMed 11788826 (cited by Labcorp Genetics (formerly Invitae), Labcorp); PubMed 16627867 (cited by Labcorp Genetics (formerly Invitae), Labcorp).